The following is an entry in ClinVar:

ClinVar aggregate classification (germline): Uncertain significance. Review status: criteria provided, multiple submitters, no conflicts (2 of 4 stars). 2 submissions from 2 submitters: Uncertain significance (2). Last evaluated 2023-08-25.

Conditions:
Pilarowski-Bjornsson syndrome. Also called: DEVELOPMENTAL DELAY AND SPEECH APRAXIA WITH OR WITHOUT SEIZURES. Identifiers: Orphanet 529965, MedGen C4540131, MONDO:0060568, OMIM 617682.

Allele frequency attached by ClinVar (database versions not stated): gnomAD exomes 0.00001.
gnomAD v4.1: 23 of 1,613,862 alleles (0.0014%); highest among the groups gnomAD compares: Non-Finnish European, 0.0018%; no homozygotes.

Submissions (2):

Clinical Genomics Laboratory, Washington University in St. Louis
Classification: Uncertain significance for Pilarowski-Bjornsson syndrome. Last evaluated: 2023-08-25. Review status: criteria provided, single submitter. Criteria: ACMG Guidelines, 2015. Collection method: clinical testing. Allele origin: germline.
Comment: The CHD1 c.4976G>C (p.Arg1659Thr) variant, to our knowledge, has not been reported in the medical literature. The variant is absent from the general population (gnomAD v.2.1.1), indicating it is not a common variant. Note that five of the six patients described with Pilarowski-Bjornsson syndrome had pathogenic variants affecting an arginine (Pilarowski et al., PMID: 28866611). Computational predictors indicate that the variant is damaging, evidence that correlates with impact to CHD1 function. This variant has been reported in the ClinVar database as a variant of uncertain significance by one submitter. Due to limited information, and based on ACMG/AMP guidelines for variant interpretation (Richards S et al., PMID: 25741868), the clinical significance of this variant is uncertain at this time.

New York Genome Center
Classification: Uncertain significance for Pilarowski-Bjornsson syndrome. Last evaluated: 2021-06-04. Review status: criteria provided, single submitter. Criteria: NYGC Assertion Criteria 2020. Collection method: clinical testing. Allele origin: inherited. Observed: 1 heterozygote. Study: CSER-NYCKidSeq.
Comment: The inherited heterozygous c.4976G>C (p.Arg1659Thr) missense variant identified in the CHD1 gene has not been reported in affected individuals in the literature. The variant is absent from gnomAD(v3) database suggesting it is not a common benign variant in the populations represented in that database. The variant affects an evolutionarily conserved residue and is predicted deleterious by multiple in silico prediction tools (CADD score = 25, REVEL score =0.681). Based on the available evidence, the inherited heterozygous c.4976G>C (p.Arg1659Thr) missense variant identified in the CHD1 gene is reported as a variant of uncertain significance.

NM_001270.4(CHD1):c.4976G>C (p.Arg1659Thr)

Gene: CHD1 (chromodomain helicase DNA binding protein 1; minus strand). Cytogenetic location: 5q15.
Variant type: single nucleotide variant.
Coding change: c.4976G>C on transcript NM_001270.4 (MANE Select); coding-DNA position 4976, G replaced by C.
Protein change: p.Arg1659Thr; replaces arginine 1659 with threonine.
Molecular consequence: missense variant. On other transcripts: non-coding transcript variant (2).
Genome position (GRCh38, 1-based): chr5:98,856,537, C>G on the plus strand (G>C on the coding strand, the complement: CHD1 is on the minus strand). VCF-style: chr5-98856537-C-G. GRCh37 (hg19) VCF-style: chr5-98192241-C-G.
Other names: c.5240G>C, p.Arg1747Thr (NM_001364113.3); c.4976G>C, p.Arg1659Thr (NM_001376194.2); short protein forms R1659T, R1747T.
Identifiers: ClinVar variation 1679616 (VCV001679616.2), dbSNP rs2112435759, ClinGen allele CA360514756.